The following is an entry in ClinVar:

NM_022124.6(CDH23):c.3232G>A (p.Val1078Ile)

Genes: C10orf105 (chromosome 10 open reading frame 105; minus strand), CDH23 (cadherin related 23; plus strand). Cytogenetic location: 10q22.1.
Variant type: single nucleotide variant.
Coding change: c.3232G>A on transcript NM_022124.6 (MANE Select); coding-DNA position 3232, G replaced by A.
Protein change: p.Val1078Ile; replaces valine 1078 with isoleucine.
Molecular consequence: missense variant. On other transcripts: 3 prime UTR variant (2).
Genome position (GRCh38, 1-based): chr10:71,712,676, G>A. VCF-style: chr10-71712676-G-A. GRCh37 (hg19) VCF-style: chr10-73472433-G-A.
Other names: c.*3260C>T (NM_001164375.3, NM_001168390.2); c.3232G>A, p.Val1078Ile (NM_001171930.2); short protein forms V1078I.
Identifiers: ClinVar variation 3897365 (VCV003897365.1).
Genomic context (GRCh38, chr10:71,712,676, plus strand): 5'-CCCCTCTCTCAGGCAGCTGCTAACACCTGTCTTCCTTCAACTCCCACAGACAACGGCCCT[G>A]TAGGGAAGCGACACACGGGCACAGCCACCGTGTTCGTCACTGTCCTGGATGTGAATGACA-3'
Protein context (NP_071407.4, residues 1068-1088): LILEAIDNGP[Val1078Ile]GKRHTGTATV

ClinVar aggregate classification (germline): Uncertain significance (1 of 4 stars; one submission).

gnomAD v4.1: 32 of 1,613,528 alleles (0.002%); highest among the groups gnomAD compares: Non-Finnish European, 0.0027%; no homozygotes.

Submission:

GeneDx
Classification: Uncertain significance. Last evaluated: 2024-10-31. Review status: criteria provided, single submitter. Criteria: GeneDx Variant Classification Process June 2021. Collection method: clinical testing. Allele origin: germline. Affected: yes.
Comment: Not observed at significant frequency in large population cohorts (gnomAD); In silico analysis supports that this missense variant has a deleterious effect on protein structure/function; Has not been previously published as pathogenic or benign to our knowledge